The following is an entry in ClinVar:

NM_000384.3(APOB):c.11128T>C (p.Tyr3710His)

Gene: APOB (apolipoprotein B; minus strand). Cytogenetic location: 2p24.1.
Variant type: single nucleotide variant.
Coding change: c.11128T>C on transcript NM_000384.3 (MANE Select); coding-DNA position 11128, T replaced by C.
Protein change: p.Tyr3710His; replaces tyrosine 3710 with histidine.
Molecular consequence: missense variant.
Genome position (GRCh38, 1-based): chr2:21,005,740, A>G on the plus strand (T>C on the coding strand, the complement: APOB is on the minus strand). VCF-style: chr2-21005740-A-G. GRCh37 (hg19) VCF-style: chr2-21228612-A-G.
Other names: short protein forms Y3710H.
Identifiers: ClinVar variation 3231363 (VCV003231363.2), dbSNP rs1663114503, ClinGen allele CA345983322.

ClinVar aggregate classification (germline): Uncertain significance. Review status: criteria provided, multiple submitters, no conflicts (2 of 4 stars). 2 submissions from 2 submitters: Uncertain significance (2). Last evaluated 2024-11-19.

Conditions:
Cardiovascular phenotype. Identifiers: MedGen CN230736.

Allele frequency attached by ClinVar (database versions not stated): TOPMed below 0.00001.

Submissions (2):

GeneDx
Classification: Uncertain significance. Last evaluated: 2024-11-19. Review status: criteria provided, single submitter. Criteria: GeneDx Variant Classification Process June 2021. Collection method: clinical testing. Allele origin: germline. Affected: yes.
Comment: Not observed at significant frequency in large population cohorts (gnomAD); In silico analysis supports that this missense variant has a deleterious effect on protein structure/function; Has not been previously published as pathogenic or benign to our knowledge

Ambry Genetics
Classification: Uncertain significance for Cardiovascular phenotype. Last evaluated: 2024-01-13. Review status: criteria provided, single submitter. Criteria: Ambry Variant Classification Scheme 2023. Collection method: clinical testing. Allele origin: germline.
Comment: The p.Y3710H variant (also known as c.11128T>C), located in coding exon 26 of the APOB gene, results from a T to C substitution at nucleotide position 11128. The tyrosine at codon 3710 is replaced by histidine, an amino acid with similar properties. This amino acid position is conserved. In addition, the in silico prediction for this alteration is inconclusive. Since supporting evidence is limited at this time, the clinical significance of this alteration remains unclear.